The following is an entry in ClinVar:

NM_001199138.2(NLRC4):c.1738C>G (p.Gln580Glu)

Gene: NLRC4 (NLR family CARD domain containing 4; minus strand). Cytogenetic location: 2p22.3.
Variant type: single nucleotide variant.
Coding change: c.1738C>G on transcript NM_001199138.2 (MANE Select); coding-DNA position 1738, C replaced by G.
Protein change: p.Gln580Glu; replaces glutamine 580 with glutamic acid.
Molecular consequence: missense variant. On other transcripts: intron variant (1).
Genome position (GRCh38, 1-based): chr2:32,250,126, G>C on the plus strand (C>G on the coding strand, the complement: NLRC4 is on the minus strand). VCF-style: chr2-32250126-G-C. GRCh37 (hg19) VCF-style: chr2-32475195-G-C.
Other names: c.1738C>G, p.Gln580Glu (NM_001199139.2, NM_021209.5); c.262+2293C>G (NM_001302504.1); short protein forms Q580E.
Identifiers: ClinVar variation 1035766 (VCV001035766.9), dbSNP rs1687034472, ClinGen allele CA346511813.

ClinVar aggregate classification (germline): Uncertain significance (1 of 4 stars; one submission).

Conditions:
Familial cold autoinflammatory syndrome 4 (FCAS4). Identifiers: Orphanet 47045, Orphanet 576349, MedGen C4015276, MONDO:0014498, OMIM 616115.
Periodic fever-infantile enterocolitis-autoinflammatory syndrome. Also called: Autoinflammation with infantile enterocolitis. Identifiers: Orphanet 436166, MedGen C4015067, MONDO:0014472, OMIM 616050.

Submission:

Labcorp Genetics (formerly Invitae), Labcorp
Classification: Uncertain significance for Periodic fever-infantile enterocolitis-autoinflammatory syndrome; Familial cold autoinflammatory syndrome 4. Last evaluated: 2020-08-07. Review status: criteria provided, single submitter. Criteria: Invitae Variant Classification Sherloc (09022015). Collection method: clinical testing. Allele origin: germline.
Comment: This sequence change replaces glutamine with glutamic acid at codon 580 of the NLRC4 protein (p.Gln580Glu). The glutamine residue is moderately conserved and there is a small physicochemical difference between glutamine and glutamic acid. In summary, the available evidence is currently insufficient to determine the role of this variant in disease. Therefore, it has been classified as a Variant of Uncertain Significance. Algorithms developed to predict the effect of missense changes on protein structure and function (SIFT, PolyPhen-2, Align-GVGD) all suggest that this variant is likely to be tolerated, but these predictions have not been confirmed by published functional studies and their clinical significance is uncertain. This variant has not been reported in the literature in individuals with NLRC4-related conditions. This variant is not present in population databases (ExAC no frequency).